The following is an entry in ClinVar:

ClinVar aggregate classification (germline): Uncertain significance. Review status: criteria provided, multiple submitters, no conflicts (2 of 4 stars). 2 submissions from 2 submitters: Uncertain significance (2). Last evaluated 2025-05-22.

Allele frequency attached by ClinVar (database versions not stated): gnomAD 0.00001; TOPMed below 0.00001.
gnomAD v4.1: 1 of 1,172,204 alleles (0.000085%); highest among the groups gnomAD compares: African/African-American, 0.0018%; no homozygotes.

Submissions (2):

GeneDx
Classification: Uncertain significance. Last evaluated: 2025-05-22. Review status: criteria provided, single submitter. Criteria: GeneDx Variant Classification Process June 2021. Collection method: clinical testing. Allele origin: germline.
Comment: Not observed at significant frequency in large population cohorts (gnomAD); In silico analysis supports that this missense variant has a deleterious effect on protein structure/function; Has not been previously published as pathogenic or benign to our knowledge

Labcorp Genetics (formerly Invitae), Labcorp
Classification: Uncertain significance. Last evaluated: 2022-08-15. Review status: criteria provided, single submitter. Criteria: Invitae Variant Classification Sherloc (09022015). Collection method: clinical testing. Allele origin: germline.
Comment: Algorithms developed to predict the effect of missense changes on protein structure and function (SIFT, PolyPhen-2, Align-GVGD) all suggest that this variant is likely to be tolerated. In summary, the available evidence is currently insufficient to determine the role of this variant in disease. Therefore, it has been classified as a Variant of Uncertain Significance. ClinVar contains an entry for this variant (Variation ID: 1396439). This variant has not been reported in the literature in individuals affected with GRIA3-related conditions. This variant is not present in population databases (gnomAD no frequency). This sequence change replaces glutamic acid, which is acidic and polar, with aspartic acid, which is acidic and polar, at codon 421 of the GRIA3 protein (p.Glu421Asp).

NM_007325.5(GRIA3):c.1263G>T (p.Glu421Asp)

Gene: GRIA3 (glutamate ionotropic receptor AMPA type subunit 3; plus strand). Cytogenetic location: Xq25.
Variant type: single nucleotide variant.
Coding change: c.1263G>T on transcript NM_007325.5 (MANE Select); coding-DNA position 1263, G replaced by T.
Protein change: p.Glu421Asp; replaces glutamic acid 421 with aspartic acid.
Molecular consequence: missense variant.
Genome position (GRCh38, 1-based): chrX:123,403,489, G>T. VCF-style: chrX-123403489-G-T. GRCh37 (hg19) VCF-style: chrX-122537340-G-T.
Other names: c.1263G>T (NM_000828.4); c.1263G>T, p.Glu421Asp (NM_000828.5); short protein forms E421D.
Identifiers: ClinVar variation 1396439 (VCV001396439.8), dbSNP rs2045454307, ClinGen allele CA414258806.
Genomic context (GRCh38, chrX:123,403,489, plus strand): 5'-GTATGAAAGGTTTGTGCCTTTCTCAGATCAGCAAATCAGCAATGACAGTGCATCCTCAGA[G>T]AATCGGACCATAGTAGTGACTACCATTCTGGTAAGTGTGAACAGAAGGTAGGTGGGCTTT-3'
Protein context (NP_015564.5, residues 411-431): QQISNDSASS[Glu421Asp]NRTIVVTTIL